The following is an entry in ClinVar:

ClinVar aggregate classification (germline): Uncertain significance (1 of 4 stars; one submission).

Submission:

Labcorp Genetics (formerly Invitae), Labcorp
Classification: Uncertain significance. Last evaluated: 2025-12-16. Review status: criteria provided, single submitter. Criteria: Invitae Variant Classification Sherloc (09022015). Collection method: clinical testing. Allele origin: germline.
Comment: This sequence change replaces glutamic acid, which is acidic and polar, with glutamine, which is neutral and polar, at codon 28 of the LIPG protein (p.Glu28Gln). This variant is not present in population databases (gnomAD no frequency). This variant has not been reported in the literature in individuals affected with LIPG-related conditions. An algorithm developed to predict the effect of missense changes on protein structure and function outputs the following: PolyPhen-2: "Benign". The glutamine amino acid residue is found in multiple mammalian species, which suggests that this missense change does not adversely affect protein function. In summary, the available evidence is currently insufficient to determine the role of this variant in disease. Therefore, it has been classified as a Variant of Uncertain Significance.

NM_006033.4(LIPG):c.82G>C (p.Glu28Gln)

Gene: LIPG (lipase G, endothelial type; plus strand). Cytogenetic location: 18q21.1.
Variant type: single nucleotide variant.
Coding change: c.82G>C on transcript NM_006033.4 (MANE Select); coding-DNA position 82, G replaced by C.
Protein change: p.Glu28Gln; replaces glutamic acid 28 with glutamine.
Molecular consequence: missense variant.
Genome position (GRCh38, 1-based): chr18:49,562,390, G>C. VCF-style: chr18-49562390-G-C. GRCh37 (hg19) VCF-style: chr18-47088760-G-C.
Other names: c.82G>C, p.Glu28Gln (NM_001308006.2); short protein forms E28Q.
Identifiers: ClinVar variation 4750908 (VCV004750908.1).